The following is an entry in ClinVar:

ClinVar aggregate classification (germline): Uncertain significance. Review status: criteria provided, multiple submitters, no conflicts (2 of 4 stars). 4 submissions from 4 submitters: Uncertain significance (3). 1 of the submissions does not count toward it. Last evaluated 2025-08-01.

Conditions:
Hereditary cancer-predisposing syndrome. Also called: Neoplastic Syndromes, Hereditary; Hereditary Cancer Syndrome; Hereditary neoplastic syndrome; Tumor predisposition. Identifiers: Orphanet 140162, MedGen C0027672, MeSH D009386, MONDO:0015356.
Ataxia-telangiectasia syndrome (AT). Also called: ATAXIA-TELANGIECTASIA, COMPLEMENTATION GROUP A; ATAXIA-TELANGIECTASIA, FRESNO VARIANT; Ataxia-telangiectasia, complementation group E; Ataxia telangiectasia (A-T); LOUIS-BAR SYNDROME; Cerebello-oculocutaneous telangiectasia. Identifiers: Orphanet 100, MedGen C0004135, MONDO:0008840, OMIM 208900.

Allele frequency attached by ClinVar (database versions not stated): gnomAD 0.00003.

Submissions (4):

Ambry Genetics
Classification: Uncertain significance for Hereditary cancer-predisposing syndrome. Last evaluated: 2025-08-01. Review status: criteria provided, single submitter. Criteria: Ambry Variant Classification Scheme 2023. Collection method: clinical testing. Allele origin: germline.
Comment: The p.K1728T variant (also known as c.5183A>C), located in coding exon 34 of the ATM gene, results from an A to C substitution at nucleotide position 5183. The lysine at codon 1728 is replaced by threonine, an amino acid with similar properties. This amino acid position is not well conserved in available vertebrate species. In addition, this alteration is predicted to be tolerated by in silico analysis. Since supporting evidence is limited at this time, the clinical significance of this alteration remains unclear.

Color Diagnostics, LLC DBA Color Health
Classification: Uncertain significance for Hereditary cancer-predisposing syndrome. Last evaluated: 2023-12-05. Review status: criteria provided, single submitter. Criteria: ACMG Guidelines, 2015. Collection method: clinical testing. Allele origin: germline.
Comment: This missense variant replaces lysine with threonine at codon 1728 of the ATM protein. Computational prediction suggests that this variant may not impact protein structure and function (internally defined REVEL score threshold <= 0.5, PMID: 27666373). To our knowledge, functional studies have not been reported for this variant. This variant has not been reported in individuals affected with ATM-related disorders in the literature. This variant has been identified in 1/31380 chromosomes in the general population by the Genome Aggregation Database (gnomAD). The available evidence is insufficient to determine the role of this variant in disease conclusively. Therefore, this variant is classified as a Variant of Uncertain Significance.

Labcorp Genetics (formerly Invitae), Labcorp
Classification: Uncertain significance for Ataxia-telangiectasia syndrome. Last evaluated: 2022-10-13. Review status: criteria provided, single submitter. Criteria: Invitae Variant Classification Sherloc (09022015). Collection method: clinical testing. Allele origin: germline.
Comment: In summary, the available evidence is currently insufficient to determine the role of this variant in disease. Therefore, it has been classified as a Variant of Uncertain Significance. Algorithms developed to predict the effect of missense changes on protein structure and function (SIFT, PolyPhen-2, Align-GVGD) all suggest that this variant is likely to be tolerated. ClinVar contains an entry for this variant (Variation ID: 825517). This variant has not been reported in the literature in individuals affected with ATM-related conditions. This variant is present in population databases (no rsID available, gnomAD 0.01%). This sequence change replaces lysine, which is basic and polar, with threonine, which is neutral and polar, at codon 1728 of the ATM protein (p.Lys1728Thr).

Natera, Inc.
Classification: Uncertain significance for Ataxia-telangiectasia. Last evaluated: 2020-08-31. Review status: no assertion criteria provided. Collection method: clinical testing. Allele origin: germline. Not counted in ClinVar's aggregate classification.

NM_000051.4(ATM):c.5183A>C (p.Lys1728Thr)

Gene: ATM (ATM serine/threonine kinase; plus strand). Cytogenetic location: 11q22.3.
Variant type: single nucleotide variant.
Coding change: c.5183A>C on transcript NM_000051.4 (MANE Select); coding-DNA position 5183, A replaced by C.
Protein change: p.Lys1728Thr; replaces lysine 1728 with threonine.
Molecular consequence: missense variant.
Genome position (GRCh38, 1-based): chr11:108,301,653, A>C. VCF-style: chr11-108301653-A-C. GRCh37 (hg19) VCF-style: chr11-108172380-A-C.
Other names: c.5183A>C, p.Lys1728Thr (NM_001351834.2); short protein forms K1728T.
Identifiers: ClinVar variation 825517 (VCV000825517.18), dbSNP rs1060501613, ClinGen allele CA382542103.